The following is an entry in ClinVar:

ClinVar aggregate classification (germline): Likely benign (1 of 4 stars; one submission).

Submission:

CeGaT Center for Human Genetics Tuebingen
Classification: Likely benign. Last evaluated: 2025-12-01. Review status: criteria provided, single submitter. Criteria: CeGaT Center For Human Genetics Tuebingen Variant Classification Criteria Version 2. Collection method: clinical testing. Allele origin: germline. Affected: yes. Observed: 1 variant allele.
Comment: WASH6P: BP4, BP7

NC_000023.11:g.156021711C>T

Variant type: single nucleotide variant.
Genome position: GRCh38 VCF-style: chrX-156021711-C-T. GRCh37 (hg19) VCF-style: chrX-155251376-C-T.
Identifiers: ClinVar variation 4681502 (VCV004681502.5).